The following is an entry in ClinVar:

ClinVar aggregate classification (germline): Uncertain significance (1 of 4 stars; one submission).

Allele frequency attached by ClinVar (database versions not stated): gnomAD 0.00001; gnomAD exomes 0.00002; ExAC 0.00007.
gnomAD v4.1: 31 of 1,613,980 alleles (0.0019%); highest among the groups gnomAD compares: South Asian, 0.032%; no homozygotes.

Submission:

GeneDx
Classification: Uncertain significance. Last evaluated: 2023-08-08. Review status: criteria provided, single submitter. Criteria: GeneDx Variant Classification Process June 2021. Collection method: clinical testing. Allele origin: germline. Affected: yes.
Comment: In silico analysis supports that this missense variant does not alter protein structure/function; Has not been previously published as pathogenic or benign to our knowledge

NM_138691.3(TMC1):c.716A>G (p.Asn239Ser)

Gene: TMC1 (transmembrane channel like 1; plus strand). Cytogenetic location: 9q21.13.
Variant type: single nucleotide variant.
Coding change: c.716A>G on transcript NM_138691.3 (MANE Select); coding-DNA position 716, A replaced by G.
Protein change: p.Asn239Ser; replaces asparagine 239 with serine.
Molecular consequence: missense variant.
Genome position (GRCh38, 1-based): chr9:72,754,859, A>G. VCF-style: chr9-72754859-A-G. GRCh37 (hg19) VCF-style: chr9-75369775-A-G.
Other names: short protein forms N239S.
Identifiers: ClinVar variation 3252269 (VCV003252269.1), dbSNP rs767557406.